The following is an entry in ClinVar:

ClinVar aggregate classification (germline): Pathogenic (1 of 4 stars; one submission).

Conditions:
Hereditary cancer-predisposing syndrome. Also called: Neoplastic Syndromes, Hereditary; Tumor predisposition; Hereditary Cancer Syndrome; Hereditary neoplastic syndrome. Identifiers: Orphanet 140162, MedGen C0027672, MeSH D009386, MONDO:0015356.

Submission:

Ambry Genetics
Classification: Pathogenic for Hereditary cancer-predisposing syndrome. Last evaluated: 2021-07-26. Review status: criteria provided, single submitter. Criteria: Ambry Variant Classification Scheme 2023. Collection method: clinical testing. Allele origin: germline.
Comment: The c.1589delG pathogenic mutation, located in coding exon 12 of the SDHA gene, results from a deletion of one nucleotide at nucleotide position 1589, causing a translational frameshift with a predicted alternate stop codon (p.S530Tfs*17). This alteration is expected to result in loss of function by premature protein truncation or nonsense-mediated mRNA decay. As such, this alteration is interpreted as a disease-causing mutation.

NM_004168.4(SDHA):c.1589del (p.Ser530fs)

Gene: SDHA (succinate dehydrogenase complex flavoprotein subunit A; plus strand). Cytogenetic location: 5p15.33.
Variant type: Deletion.
Coding change: c.1589del on transcript NM_004168.4 (MANE Select); coding-DNA position 1589, one base deleted (G; older notation c.1589delG).
Protein change: p.Ser530fs; shifts the reading frame from serine 530.
Molecular consequence: frameshift variant. On other transcripts: intron variant (1).
Genome position (GRCh38, 1-based): chr5:251,029, G deleted. VCF-style (leftmost placement, unchanged base first): chr5-251028-AG-A. GRCh37 (hg19) VCF-style: chr5-251143-AG-A.
Other names: c.1552-3364del (NM_001330758.2); c.1445del, p.Ser482fs (NM_001294332.2); short protein forms S482fs, S530fs.
Identifiers: ClinVar variation 1775866 (VCV001775866.2), dbSNP rs2477454681, ClinGen allele CA2580073074.